The following is an entry in ClinVar:

NM_001378452.1(ITPR1):c.*1196T>C

Gene: ITPR1 (inositol 1,4,5-trisphosphate receptor type 1; plus strand). Cytogenetic location: 3p26.1.
Variant type: single nucleotide variant.
Coding change: c.*1196T>C on transcript NM_001378452.1 (MANE Select); 1196 bases downstream of the stop codon, T replaced by C.
Molecular consequence: 3 prime UTR variant.
Genome position (GRCh38, 1-based): chr3:4,847,421, T>C. VCF-style: chr3-4847421-T-C. GRCh37 (hg19) VCF-style: chr3-4889105-T-C.
Other names: c.*1196T>C (NM_001099952.4, NM_001168272.2, NM_002222.7).
Identifiers: ClinVar variation 345921 (VCV000345921.5), dbSNP rs565045968, ClinGen allele CA10618927.

ClinVar aggregate classification (germline): Benign (1 of 4 stars; one submission).

Conditions:
Autosomal dominant cerebellar ataxia. Also called: Spinocerebellar Ataxia, Dominant. Identifiers: Orphanet 99, MedGen C4087347, MONDO:0020380.

Allele frequency attached by ClinVar (database versions not stated): 1000 Genomes Project 30x 0.00047; 1000 Genomes Project 0.00060; gnomAD 0.00178.

Submission:

Illumina Laboratory Services, Illumina
Classification: Benign for Spinocerebellar Ataxia, Dominant. Last evaluated: 2018-01-13. Review status: criteria provided, single submitter. Criteria: ICSL Variant Classification Criteria 13 December 2019. Collection method: clinical testing. Allele origin: germline.
Comment: This variant was observed in the ICSL laboratory as part of a predisposition screen in an ostensibly healthy population. It had not been previously curated by ICSL or reported in the Human Gene Mutation Database (HGMD: prior to June 1st, 2018), and was therefore a candidate for classification through an automated scoring system. Utilizing variant allele frequency, disease prevalence and penetrance estimates, and inheritance mode, an automated score was calculated to assess if this variant is too frequent to cause the disease. Based on the score and internal cut-off values, a variant classified as benign is not then subjected to further curation. The score for this variant resulted in a classification of benign for this disease.